The following is an entry in ClinVar:

NM_025077.4(TOE1):c.447C>T (p.Asn149=)

Gene: TOE1 (target of EGR1, exonuclease; plus strand). Cytogenetic location: 1p34.1.
Variant type: single nucleotide variant.
Coding change: c.447C>T on transcript NM_025077.4 (MANE Select); coding-DNA position 447, C replaced by T.
Protein change: p.Asn149=; no amino-acid change (asparagine 149 retained).
Molecular consequence: synonymous variant.
Genome position (GRCh38, 1-based): chr1:45,342,062, C>T. VCF-style: chr1-45342062-C-T. GRCh37 (hg19) VCF-style: chr1-45807734-C-T.
Other names: c.447C>T (NM_025077.3).
Identifiers: ClinVar variation 2063083 (VCV002063083.6), dbSNP rs188430743, ClinGen allele CA826561.

ClinVar aggregate classification (germline): Benign. Review status: criteria provided, single submitter (1 of 4 stars). 2 submissions from 2 submitters: Benign (1). 1 of the submissions does not count toward it. Last evaluated 2025-11-05.

Conditions:
TOE1-related disorder. Also called: TOE1-related condition.

Allele frequency attached by ClinVar (database versions not stated): gnomAD exomes 0.00003; gnomAD 0.00008; TOPMed 0.00010; ExAC 0.00014; 1000 Genomes Project 0.00060; 1000 Genomes Project 30x 0.00062.
gnomAD v4.1: 59 of 1,613,984 alleles (0.0037%); highest among the groups gnomAD compares: East Asian, 0.12%; 1 homozygote.

Submissions (2):

Labcorp Genetics (formerly Invitae), Labcorp
Classification: Benign. Last evaluated: 2025-11-05. Review status: criteria provided, single submitter. Criteria: Invitae Variant Classification Sherloc (09022015). Collection method: clinical testing. Allele origin: germline.

PreventionGenetics, part of Exact Sciences
Classification: Likely benign for TOE1-related condition. Last evaluated: 2019-10-28. Review status: no assertion criteria provided. Collection method: clinical testing. Allele origin: germline. Not counted in ClinVar's aggregate classification.
Comment: This variant is classified as likely benign based on ACMG/AMP sequence variant interpretation guidelines (Richards et al. 2015 PMID: 25741868, with internal and published modifications).